The following is an entry in ClinVar:

ClinVar aggregate classification (germline): Uncertain significance (1 of 4 stars; one submission).

Conditions:
Autosomal recessive ataxia, Beauce type. Also called: SYNE1 Deficiency; Spinocerebellar ataxia, autosomal recessive 8; ATAXIA, RECESSIVE, OF BEAUCE; SYNE1-Related Autosomal Recessive Cerebellar Ataxia. Identifiers: Orphanet 88644, MedGen C1853116, MONDO:0012549, OMIM 610743.
Emery-Dreifuss muscular dystrophy 4, autosomal dominant (EDMD4). Also called: EMERY-DREIFUSS MUSCULAR DYSTROPHY 4 WITH VARIABLE FEATURES. Identifiers: Orphanet 261, MedGen C2751807, MONDO:0013071, OMIM 612998.

Allele frequency attached by ClinVar (database versions not stated): ExAC 0.00001.
gnomAD v4.1: 3 of 1,614,126 alleles (0.00019%); highest among the groups gnomAD compares: Non-Finnish European, 0.00025%; no homozygotes.

Submission:

Labcorp Genetics (formerly Invitae), Labcorp
Classification: Uncertain significance for Emery-Dreifuss muscular dystrophy 4, autosomal dominant; Autosomal recessive ataxia, Beauce type. Last evaluated: 2022-05-22. Review status: criteria provided, single submitter. Criteria: Invitae Variant Classification Sherloc (09022015). Collection method: clinical testing. Allele origin: germline.
Comment: In summary, the available evidence is currently insufficient to determine the role of this variant in disease. Therefore, it has been classified as a Variant of Uncertain Significance. Algorithms developed to predict the effect of missense changes on protein structure and function (SIFT, PolyPhen-2, Align-GVGD) all suggest that this variant is likely to be disruptive. This variant has not been reported in the literature in individuals affected with SYNE1-related conditions. This variant is present in population databases (rs779787540, gnomAD 0.0009%). This sequence change replaces tryptophan, which is neutral and slightly polar, with leucine, which is neutral and non-polar, at codon 2742 of the SYNE1 protein (p.Trp2742Leu).

NM_182961.4(SYNE1):c.8204G>T (p.Trp2735Leu)

Gene: SYNE1 (spectrin repeat containing nuclear envelope protein 1; minus strand). Cytogenetic location: 6q25.2.
Variant type: single nucleotide variant.
Coding change: c.8204G>T on transcript NM_182961.4 (MANE Select); coding-DNA position 8204, G replaced by T.
Protein change: p.Trp2735Leu; replaces tryptophan 2735 with leucine.
Molecular consequence: missense variant.
Genome position (GRCh38, 1-based): chr6:152,387,355, C>A on the plus strand (G>T on the coding strand, the complement: SYNE1 is on the minus strand). VCF-style: chr6-152387355-C-A. GRCh37 (hg19) VCF-style: chr6-152708490-C-A.
Other names: c.8225G>T, p.Trp2742Leu (NM_033071.5); short protein forms W2735L, W2742L.
Identifiers: ClinVar variation 1994673 (VCV001994673.4), dbSNP rs779787540, ClinGen allele CA4057591.